The following is an entry in ClinVar:

ClinVar aggregate classification (germline): Uncertain significance (1 of 4 stars; one submission).

Conditions:
Familial cancer of breast. Also called: hereditary breast carcinoma; Hereditary breast cancer; BREAST CANCER, FAMILIAL. Identifiers: Orphanet 227535, MedGen C0346153, MONDO:0016419, OMIM 114480. Disease mechanism: loss of function.

Submission:

Labcorp Genetics (formerly Invitae), Labcorp
Classification: Uncertain significance for Familial cancer of breast. Last evaluated: 2021-09-01. Review status: criteria provided, single submitter. Criteria: Invitae Variant Classification Sherloc (09022015). Collection method: clinical testing. Allele origin: germline.
Comment: This sequence change replaces glycine with serine at codon 37 of the CHEK2 protein (p.Gly37Ser). The glycine residue is moderately conserved and there is a small physicochemical difference between glycine and serine. This variant is not present in population databases (ExAC no frequency). This variant has not been reported in the literature in individuals affected with CHEK2-related conditions. Algorithms developed to predict the effect of missense changes on protein structure and function output the following: SIFT: "Tolerated"; PolyPhen-2: "Probably Damaging"; Align-GVGD: "Class C0". The serine amino acid residue is found in multiple mammalian species, which suggests that this missense change does not adversely affect protein function. In summary, the available evidence is currently insufficient to determine the role of this variant in disease. Therefore, it has been classified as a Variant of Uncertain Significance.

NM_007194.4(CHEK2):c.109G>A (p.Gly37Ser)

Gene: CHEK2 (checkpoint kinase 2; minus strand). Cytogenetic location: 22q12.1.
Variant type: single nucleotide variant.
Coding change: c.109G>A on transcript NM_007194.4 (MANE Select); coding-DNA position 109, G replaced by A.
Protein change: p.Gly37Ser; replaces glycine 37 with serine.
Molecular consequence: missense variant.
Genome position (GRCh38, 1-based): chr22:28,734,613, C>T on the plus strand (G>A on the coding strand, the complement: CHEK2 is on the minus strand). VCF-style: chr22-28734613-C-T. GRCh37 (hg19) VCF-style: chr22-29130601-C-T.
Other names: c.109G>A, p.Gly37Ser (NM_001005735.3, NM_001349956.3, NM_145862.3); c.-669G>A (NM_001257387.3); short protein forms G37S.
Identifiers: ClinVar variation 970938 (VCV000970938.7), dbSNP rs2054329987, ClinGen allele CA411091426.